The following is an entry in ClinVar:

ClinVar aggregate classification (germline): Uncertain significance. Review status: criteria provided, multiple submitters, no conflicts (2 of 4 stars). 2 submissions from 2 submitters: Uncertain significance (2). Last evaluated 2026-01-19.

Allele frequency attached by ClinVar (database versions not stated): TOPMed 0.00001; ExAC 0.00002; gnomAD exomes 0.00002.
gnomAD v4.1: 12 of 1,614,074 alleles (0.00074%); highest among the groups gnomAD compares: Admixed American, 0.02%; no homozygotes.

Submissions (2):

Labcorp Genetics (formerly Invitae), Labcorp
Classification: Uncertain significance. Last evaluated: 2026-01-19. Review status: criteria provided, single submitter. Criteria: Invitae Variant Classification Sherloc (09022015). Collection method: clinical testing. Allele origin: germline.
Comment: This sequence change replaces isoleucine, which is neutral and non-polar, with valine, which is neutral and non-polar, at codon 486 of the SLCO5A1 protein (p.Ile486Val). This variant is present in population databases (rs756413662, gnomAD 0.03%). This variant has not been reported in the literature in individuals affected with SLCO5A1-related conditions. ClinVar contains an entry for this variant (Variation ID: 1902434). An algorithm developed to predict the effect of missense changes on protein structure and function (PolyPhen-2) suggests that this variant is likely to be tolerated. In summary, the available evidence is currently insufficient to determine the role of this variant in disease. Therefore, it has been classified as a Variant of Uncertain Significance.

Ambry Genetics
Classification: Uncertain significance. Last evaluated: 2025-12-11. Review status: criteria provided, single submitter. Criteria: Ambry Variant Classification Scheme 2023. Collection method: clinical testing. Allele origin: germline.

NM_030958.3(SLCO5A1):c.1456A>G (p.Ile486Val)

Gene: SLCO5A1 (solute carrier organic anion transporter family member 5A1; minus strand). Cytogenetic location: 8q13.3.
Variant type: single nucleotide variant.
Coding change: c.1456A>G on transcript NM_030958.3 (MANE Select); coding-DNA position 1456, A replaced by G.
Protein change: p.Ile486Val; replaces isoleucine 486 with valine.
Molecular consequence: missense variant.
Genome position (GRCh38, 1-based): chr8:69,705,197, T>C on the plus strand (A>G on the coding strand, the complement: SLCO5A1 is on the minus strand). VCF-style: chr8-69705197-T-C. GRCh37 (hg19) VCF-style: chr8-70617432-T-C.
Other names: c.1456A>G, p.Ile486Val (NM_001146008.2); c.1291A>G, p.Ile431Val (NM_001146009.1); c.1456A>G (NM_030958.2); short protein forms I431V, I486V.
Identifiers: ClinVar variation 1902434 (VCV001902434.6), dbSNP rs756413662, ClinGen allele CA4776571.